The following is an entry in ClinVar:

ClinVar aggregate classification (germline): Benign/Likely benign. Review status: criteria provided, multiple submitters, no conflicts (2 of 4 stars). 3 submissions from 3 submitters: Benign (1); Likely benign (1). 1 of the submissions does not count toward it. Last evaluated 2026-01-11.

Conditions:
SH3KBP1-related disorder. Also called: SH3KBP1-related condition.

Allele frequency attached by ClinVar (database versions not stated): gnomAD exomes 0.00082; ExAC 0.00112; gnomAD 0.00248 and 0.00270; TOPMed 0.00300; 1000 Genomes Project 0.00344; 1000 Genomes Project 30x 0.00354; ESP Exome Variant Server 0.00360.
gnomAD v4.1: 566 of 1,204,039 alleles (0.047%); highest among the groups gnomAD compares: African/African-American, 0.91%; 6 homozygotes.

Submissions (3):

Labcorp Genetics (formerly Invitae), Labcorp
Classification: Benign. Last evaluated: 2026-01-11. Review status: criteria provided, single submitter. Criteria: Invitae Variant Classification Sherloc (09022015). Collection method: clinical testing. Allele origin: germline.

Blueprint Genetics
Classification: Likely benign. Last evaluated: 2024-10-18. Review status: criteria provided, single submitter. Criteria: ACMG Guidelines, 2015. Collection method: clinical testing. Allele origin: germline.

PreventionGenetics, part of Exact Sciences
Classification: Benign for SH3KBP1-related condition. Last evaluated: 2020-01-06. Review status: no assertion criteria provided. Collection method: clinical testing. Allele origin: germline. Not counted in ClinVar's aggregate classification.
Comment: This variant is classified as benign based on ACMG/AMP sequence variant interpretation guidelines (Richards et al. 2015 PMID: 25741868, with internal and published modifications).

NM_031892.3(SH3KBP1):c.1284G>A (p.Pro428=)

Gene: SH3KBP1 (SH3 domain containing kinase binding protein 1; minus strand). Cytogenetic location: Xp22.12.
Variant type: single nucleotide variant.
Coding change: c.1284G>A on transcript NM_031892.3 (MANE Select); coding-DNA position 1284, G replaced by A.
Protein change: p.Pro428=; no amino-acid change (proline 428 retained).
Molecular consequence: synonymous variant.
Genome position (GRCh38, 1-based): chrX:19,588,657, C>T on the plus strand (G>A on the coding strand, the complement: SH3KBP1 is on the minus strand). VCF-style: chrX-19588657-C-T. GRCh37 (hg19) VCF-style: chrX-19606775-C-T.
Other names: c.1359G>A (NM_001353891.1); c.1173G>A, p.Pro391= (NM_001024666.3); c.570G>A, p.Pro190= (NM_001184960.2, NM_001353897.2); c.1284G>A, p.Pro428= (NM_001353890.2); c.1359G>A, p.Pro453= (NM_001353891.2, NM_001353892.2); c.1182G>A, p.Pro394= (NM_001353893.2, NM_001353894.2); c.1239G>A, p.Pro413= (NM_001353895.2).
Identifiers: ClinVar variation 1166727 (VCV001166727.12), dbSNP rs145308311, ClinGen allele CA10364607.